The following is an entry in ClinVar:

ClinVar aggregate classification (germline): Uncertain significance (1 of 4 stars; one submission).

Conditions:
Hereditary cancer-predisposing syndrome. Also called: Neoplastic Syndromes, Hereditary; Tumor predisposition; Hereditary Cancer Syndrome; Hereditary neoplastic syndrome. Identifiers: Orphanet 140162, MedGen C0027672, MeSH D009386, MONDO:0015356.

Submission:

Ambry Genetics
Classification: Uncertain significance for Hereditary cancer-predisposing syndrome. Last evaluated: 2019-03-01. Review status: criteria provided, single submitter. Criteria: Ambry Variant Classification Scheme 2023. Collection method: clinical testing. Allele origin: germline.
Comment: The p.T682I variant (also known as c.2045C>T), located in coding exon 11 of the BARD1 gene, results from a C to T substitution at nucleotide position 2045. The threonine at codon 682 is replaced by isoleucine, an amino acid with similar properties. This amino acid position is poorly conserved in available vertebrate species. In addition, this alteration is predicted to be tolerated by in silico analysis. Since supporting evidence is limited at this time, the clinical significance of this alteration remains unclear.

NM_000465.4(BARD1):c.2045C>T (p.Thr682Ile)

Gene: BARD1 (BRCA1 associated RING domain 1; minus strand). Cytogenetic location: 2q35.
Variant type: single nucleotide variant.
Coding change: c.2045C>T on transcript NM_000465.4 (MANE Select); coding-DNA position 2045, C replaced by T.
Protein change: p.Thr682Ile; replaces threonine 682 with isoleucine.
Molecular consequence: missense variant. On other transcripts: non-coding transcript variant (3).
Genome position (GRCh38, 1-based): chr2:214,728,965, G>A on the plus strand (C>T on the coding strand, the complement: BARD1 is on the minus strand). VCF-style: chr2-214728965-G-A. GRCh37 (hg19) VCF-style: chr2-215593689-G-A.
Other names: c.1988C>T, p.Thr663Ile (NM_001282543.2); c.692C>T, p.Thr231Ile (NM_001282545.2); c.635C>T, p.Thr212Ile (NM_001282548.2); c.506C>T, p.Thr169Ile (NM_001282549.2); short protein forms T212I, T682I, T169I, T663I, T231I.
Identifiers: ClinVar variation 820579 (VCV000820579.4), dbSNP rs1559372592, ClinGen allele CA350450733.